The following is an entry in ClinVar:

ClinVar aggregate classification (germline): Uncertain significance (1 of 4 stars; one submission).

Conditions:
Cardiovascular phenotype. Identifiers: MedGen CN230736.
Hereditary cancer-predisposing syndrome. Also called: Hereditary Cancer Syndrome; Hereditary neoplastic syndrome; Neoplastic Syndromes, Hereditary; Tumor predisposition. Identifiers: Orphanet 140162, MedGen C0027672, MeSH D009386, MONDO:0015356.

Submission:

Ambry Genetics
Classification: Uncertain significance for Cardiovascular phenotype; Hereditary cancer-predisposing syndrome. Last evaluated: 2021-06-29. Review status: criteria provided, single submitter. Criteria: Ambry Variant Classification Scheme 2023. Collection method: clinical testing. Allele origin: germline.
Comment: The p.G1576R variant (also known as c.4726G>A), located in coding exon 35 of the NF1 gene, results from a G to A substitution at nucleotide position 4726. The glycine at codon 1576 is replaced by arginine, an amino acid with dissimilar properties. This amino acid position is highly conserved in available vertebrate species. In addition, this alteration is predicted to be deleterious by in silico analysis. Since supporting evidence is limited at this time, the clinical significance of this alteration remains unclear.

NM_001042492.3(NF1):c.4789G>A (p.Gly1597Arg)

Gene: NF1 (neurofibromin 1; plus strand). Cytogenetic location: 17q11.2.
Variant type: single nucleotide variant.
Coding change: c.4789G>A on transcript NM_001042492.3 (MANE Select); coding-DNA position 4789, G replaced by A.
Protein change: p.Gly1597Arg; replaces glycine 1597 with arginine.
Molecular consequence: missense variant.
Genome position (GRCh38, 1-based): chr17:31,265,293, G>A. VCF-style: chr17-31265293-G-A. GRCh37 (hg19) VCF-style: chr17-29592311-G-A.
Other names: c.4726G>A, p.Gly1576Arg (NM_000267.4); short protein forms G1576R, G1597R.
Identifiers: ClinVar variation 1742690 (VCV001742690.2), dbSNP rs2508445417, ClinGen allele CA399001296.